The following is an entry in ClinVar:

NM_001378120.1(MBD5):c.3673C>A (p.Leu1225Ile)

Gene: MBD5 (methyl-CpG binding domain protein 5; plus strand). Cytogenetic location: 2q23.1.
Variant type: single nucleotide variant.
Coding change: c.3673C>A on transcript NM_001378120.1 (MANE Select); coding-DNA position 3673, C replaced by A.
Protein change: p.Leu1225Ile; replaces leucine 1225 with isoleucine.
Molecular consequence: missense variant.
Genome position (GRCh38, 1-based): chr2:148,485,870, C>A. VCF-style: chr2-148485870-C-A. GRCh37 (hg19) VCF-style: chr2-149243439-C-A.
Other names: c.2974C>A, p.Leu992Ile (NM_018328.5); short protein forms L992I, L1225I.
Identifiers: ClinVar variation 2071431 (VCV002071431.5), dbSNP rs776251206, ClinGen allele CA1900302.
Genomic context (GRCh38, chr2:148,485,870, plus strand): 5'-AACAATCAGATGTTTCCTCCAAATCAGCAACAGCAGCAACTTCTCCAGGGGTACCAGAAT[C>A]TCCAGGCGTTCCAAGGACAGTCCACAATTCCTTGCCCAGCTAACAATAACCCCATGGCTT-3'
Protein context (NP_001365049.1, residues 1215-1235): QQQLLQGYQN[Leu1225Ile]QAFQGQSTIP

ClinVar aggregate classification (germline): Conflicting classifications of pathogenicity. Review status: criteria provided, conflicting classifications (1 of 4 stars). 2 submissions from 2 submitters: Uncertain significance (1); Likely benign (1). Last evaluated 2025-10-06.

Conditions:
Intellectual developmental disorder, autosomal dominant 1. Also called: Intellectual disability, autosomal dominant 1; MBD5 Haploinsufficiency. Identifiers: Orphanet 228402, MedGen C1969562, MONDO:0007974, OMIM 156200.
Inborn genetic diseases. Identifiers: MedGen C0950123, MeSH D030342.

Allele frequency attached by ClinVar (database versions not stated): TOPMed below 0.00001 and 0.00002; ExAC 0.00001; gnomAD 0.00001; gnomAD exomes 0.00001.
gnomAD v4.1: 21 of 1,614,018 alleles (0.0013%); highest among the groups gnomAD compares: Non-Finnish European, 0.0017%; no homozygotes.

Submissions (2):

Ambry Genetics
Classification: Likely benign for Inborn genetic diseases. Last evaluated: 2025-10-06. Review status: criteria provided, single submitter. Criteria: Ambry Variant Classification Scheme 2023. Collection method: clinical testing. Allele origin: germline.

Labcorp Genetics (formerly Invitae), Labcorp
Classification: Uncertain significance for Intellectual developmental disorder, autosomal dominant 1. Last evaluated: 2025-06-14. Review status: criteria provided, single submitter. Criteria: Invitae Variant Classification Sherloc (09022015). Collection method: clinical testing. Allele origin: germline.
Comment: This sequence change replaces leucine, which is neutral and non-polar, with isoleucine, which is neutral and non-polar, at codon 992 of the MBD5 protein (p.Leu992Ile). This variant is present in population databases (rs776251206, gnomAD 0.0009%). This variant has not been reported in the literature in individuals affected with MBD5-related conditions. ClinVar contains an entry for this variant (Variation ID: 2071431). Invitae Evidence Modeling of protein sequence and biophysical properties (such as structural, functional, and spatial information, amino acid conservation, physicochemical variation, residue mobility, and thermodynamic stability) indicates that this missense variant is not expected to disrupt MBD5 protein function with a negative predictive value of 80%. In summary, the available evidence is currently insufficient to determine the role of this variant in disease. Therefore, it has been classified as a Variant of Uncertain Significance.